The following is an entry in ClinVar:

ClinVar aggregate classification (germline): Uncertain significance (1 of 4 stars; one submission).

Conditions:
RYR1-related disorder. Also called: RYR1-related condition; RYR1-related disorders. Identifiers: MedGen CN239331.

Submission:

Labcorp Genetics (formerly Invitae), Labcorp
Classification: Uncertain significance for RYR1-related disorder. Last evaluated: 2025-10-02. Review status: criteria provided, single submitter. Criteria: Invitae Variant Classification Sherloc (09022015). Collection method: clinical testing. Allele origin: germline.
Comment: This sequence change replaces proline, which is neutral and non-polar, with leucine, which is neutral and non-polar, at codon 1800 of the RYR1 protein (p.Pro1800Leu). This variant is not present in population databases (gnomAD no frequency). This variant has not been reported in the literature in individuals affected with RYR1-related conditions. Invitae Evidence Modeling of protein sequence and biophysical properties (such as structural, functional, and spatial information, amino acid conservation, physicochemical variation, residue mobility, and thermodynamic stability) indicates that this missense variant is expected to disrupt RYR1 protein function with a positive predictive value of 80%. In summary, the available evidence is currently insufficient to determine the role of this variant in disease. Therefore, it has been classified as a Variant of Uncertain Significance.

NM_000540.3(RYR1):c.5399C>T (p.Pro1800Leu)

Gene: RYR1 (ryanodine receptor 1; plus strand). Cytogenetic location: 19q13.2.
Variant type: single nucleotide variant.
Coding change: c.5399C>T on transcript NM_000540.3 (MANE Select); coding-DNA position 5399, C replaced by T.
Protein change: p.Pro1800Leu; replaces proline 1800 with leucine.
Molecular consequence: missense variant.
Genome position (GRCh38, 1-based): chr19:38,486,054, C>T. VCF-style: chr19-38486054-C-T. GRCh37 (hg19) VCF-style: chr19-38976694-C-T.
Other names: c.5399C>T, p.Pro1800Leu (NM_001042723.2); short protein forms P1800L.
Identifiers: ClinVar variation 4802122 (VCV004802122.1).
Genomic context (GRCh38, chr19:38,486,054, plus strand): 5'-CCTGTTTCGTGGCCGCTCTGCCAGCTGCTGGGGCAGCAGAGGCCCCGGCCCGCCTCAGCC[C>T]TGCCATCCCGCTGGAGGCCCTGCGGGACAAGGCACTGAGGATGCTGGGGGAGGCGGTGCG-3'
Protein context (NP_000531.2, residues 1790-1810): GAAEAPARLS[Pro1800Leu]AIPLEALRDK